The following is an entry in ClinVar:

ClinVar aggregate classification (germline): Pathogenic/Likely pathogenic. Review status: criteria provided, multiple submitters, no conflicts (2 of 4 stars). 7 submissions from 6 submitters: Pathogenic (5); Likely pathogenic (2). Last evaluated 2025-05-20.

Conditions:
Rare genetic deafness. Identifiers: Orphanet 96210, MedGen C5680250.
USH2A-related disorder. Also called: USH2A-related condition; USH2A-related disorders. Identifiers: MedGen CN239332.
Cone-rod dystrophy. Also called: Cone-rod degeneration; Cone/cone-rod dystrophy. Identifiers: Orphanet 1872, MedGen C4085590, MONDO:0015993, HP:0000548.
Retinitis pigmentosa 39 (RP39). Identifiers: Orphanet 791, MedGen C3151138, MONDO:0013436, OMIM 613809.
Usher syndrome type 2A. Also called: USHER SYNDROME, TYPE IIA; RETINAL DISEASE IN USHER SYNDROME TYPE IIA, MODIFIER OF. Identifiers: Orphanet 231178, Orphanet 886, MedGen C1848634, MONDO:0010169, OMIM 276901.

Allele frequency attached by ClinVar (database versions not stated): gnomAD exomes below 0.00001.
gnomAD v4.1: 3 of 1,613,560 alleles (0.00019%); highest among the groups gnomAD compares: Non-Finnish European, 0.00017%; no homozygotes.

Submissions (7):

Myriad Genetics, Inc.
Classification: Likely pathogenic for USH2A-related disorder. Last evaluated: 2025-05-20. Review status: criteria provided, single submitter. Criteria: Myriad Autosomal Dominant, Autosomal Recessive and X-Linked Classification Criteria (2023). Collection method: clinical testing. Allele origin: unknown.
Comment: NM_206933.2(USH2A):c.1143+1G>A is a variant in a canonical splice site classified as likely pathogenic in the context of USH2A-related disorders. c.1143+1G>A has been observed in a case with relevant disease (PMID: 32531858). Relevant functional assessments of this variant are not available in the literature. c.1143+1G>A has been observed in referenced population frequency databases. In summary, NM_206933.2(USH2A):c.1143+1G>A is a variant in a canonical splice site in a gene where loss of function is a known mechanism of disease, is predicted to disrupt protein function, and has been observed more frequently in cases with the relevant disease than in healthy populations. Please note: this variant was assessed in the context of healthy population screening.

Blueprint Genetics
Classification: Likely pathogenic for USH2A-related disorders. Last evaluated: 2024-02-29. Review status: criteria provided, single submitter. Criteria: ACMG Guidelines, 2015. Collection method: clinical testing. Allele origin: germline. Affected: yes. Observed: 2 variant alleles.

Baylor Genetics
Classification: Pathogenic for Retinitis pigmentosa 39. Last evaluated: 2023-06-11. Review status: criteria provided, single submitter. Criteria: ACMG Guidelines, 2015. Collection method: clinical testing. Allele origin: unknown.

Genome-Nilou Lab
Classification: Pathogenic for Retinitis pigmentosa 39. Last evaluated: 2023-04-11. Review status: criteria provided, single submitter. Criteria: ACMG Guidelines, 2015. Collection method: clinical testing. Allele origin: germline. Affected: no.

Genome-Nilou Lab
Classification: Pathogenic for Usher syndrome type 2A. Last evaluated: 2023-04-11. Review status: criteria provided, single submitter. Criteria: ACMG Guidelines, 2015. Collection method: clinical testing. Allele origin: germline. Affected: no.

Molecular Genetics Laboratory, Institute for Ophthalmic Research
Classification: Pathogenic for Cone-rod dystrophy. Last evaluated: 2020-01-09. Review status: criteria provided, single submitter. Criteria: ACMG Guidelines, 2015. Collection method: research. Allele origin: germline. Affected: yes.

Laboratory for Molecular Medicine, Mass General Brigham Personalized Medicine
Classification: Pathogenic for Rare genetic deafness. Last evaluated: 2011-02-16. Review status: criteria provided, single submitter. Criteria: LMM Criteria. Collection method: clinical testing. Allele origin: germline. Observed: 2 variant alleles.
Comment: The 1143+1G>A variant in USH2A has not been reported in the literature. The 1143 +1G>A variant is predicted to cause abnormal splicing because the nucleotide sub stitution occurs in the invariant region of the splice consensus sequence. In su mmary, this variant meets our criteria to be classified as pathogenic.

Literature cited by the submitters: PubMed 32531858 (cited by Myriad Genetics, Inc.).

NM_206933.4(USH2A):c.1143+1G>A

Gene: USH2A (usherin; minus strand). Cytogenetic location: 1q41.
Variant type: single nucleotide variant.
Coding change: c.1143+1G>A on transcript NM_206933.4 (MANE Select); the canonical splice donor site of the intron after coding-DNA position 1143, G replaced by A.
Molecular consequence: splice donor variant.
Genome position (GRCh38, 1-based): chr1:216,325,304, C>T on the plus strand (G>A on the coding strand, the complement: USH2A is on the minus strand). VCF-style: chr1-216325304-C-T. GRCh37 (hg19) VCF-style: chr1-216498646-C-T.
Other names: c.1143+1G>A (NM_007123.6).
Identifiers: ClinVar variation 48376 (VCV000048376.11), dbSNP rs397517974, ClinGen allele CA262069.